The following is an entry in ClinVar:

NM_001846.4(COL4A2):c.4205G>A (p.Gly1402Glu)

Genes: COL4A2 (collagen type IV alpha 2 chain; plus strand), COL4A2-AS1 (COL4A2 antisense RNA 1; minus strand). Cytogenetic location: 13q34.
Variant type: single nucleotide variant.
Coding change: c.4205G>A on transcript NM_001846.4 (MANE Select); coding-DNA position 4205, G replaced by A.
Protein change: p.Gly1402Glu; replaces glycine 1402 with glutamic acid.
Molecular consequence: missense variant.
Genome position (GRCh38, 1-based): chr13:110,503,913, G>A. VCF-style: chr13-110503913-G-A. GRCh37 (hg19) VCF-style: chr13-111156260-G-A.
Other names: short protein forms G1402E.
Identifiers: ClinVar variation 3903321 (VCV003903321.1).

ClinVar aggregate classification (germline): Uncertain significance (1 of 4 stars; one submission).

gnomAD v4.1: 6 of 1,612,274 alleles (0.00037%); highest among the groups gnomAD compares: South Asian, 0.0022%; no homozygotes.

Submission:

GeneDx
Classification: Uncertain significance. Last evaluated: 2024-12-09. Review status: criteria provided, single submitter. Criteria: GeneDx Variant Classification Process June 2021. Collection method: clinical testing. Allele origin: germline. Affected: yes.
Comment: In silico analysis suggests this variant may impact gene splicing. In the absence of RNA/functional studies, the actual effect of this sequence change is unknown.; In silico analysis supports that this missense variant has a deleterious effect on protein structure/function; Not observed at significant frequency in large population cohorts (gnomAD); Has not been previously published as pathogenic or benign to our knowledge; This variant is associated with the following publications: (PMID: 22522439, 23225343)